The following is an entry in ClinVar:

NM_004818.3(DDX23):c.1032dup (p.Lys345Ter)

Gene: DDX23 (DEAD-box helicase 23; minus strand). Cytogenetic location: 12q13.12.
Variant type: Duplication.
Coding change: c.1032dup on transcript NM_004818.3 (MANE Select); coding-DNA position 1032, one base duplicated (T; older notation c.1032dupT).
Protein change: p.Lys345Ter; replaces lysine 345 with a stop codon.
Molecular consequence: nonsense.
Genome position (GRCh38, 1-based): chr12:48,836,773, A duplicated on the plus strand (T on the coding strand, the reverse complement: DDX23 is on the minus strand). VCF-style (leftmost placement, unchanged base first): chr12-48836772-T-TA. GRCh37 (hg19) VCF-style: chr12-49230555-T-TA.
Other names: short protein forms K345*.
Identifiers: ClinVar variation 3365572 (VCV003365572.2).

ClinVar aggregate classification (germline): Uncertain significance (1 of 4 stars; one submission).

Submission:

GeneDx
Classification: Uncertain significance. Last evaluated: 2025-04-25. Review status: criteria provided, single submitter. Criteria: GeneDx Variant Classification Process June 2021. Collection method: clinical testing. Allele origin: germline.
Comment: Not observed at significant frequency in large population cohorts (gnomAD); Has not been previously published as pathogenic or benign to our knowledge; Nonsense variant predicted to result in protein truncation or nonsense mediated decay in a gene or region of a gene for which loss of function is not a well-established mechanism of disease